The following is an entry in ClinVar:

NM_032043.3(BRIP1):c.2725C>T (p.Leu909Phe)

Gene: BRIP1 (BRCA1 interacting DNA helicase 1; minus strand). Cytogenetic location: 17q23.2.
Variant type: single nucleotide variant.
Coding change: c.2725C>T on transcript NM_032043.3 (MANE Select); coding-DNA position 2725, C replaced by T.
Protein change: p.Leu909Phe; replaces leucine 909 with phenylalanine.
Molecular consequence: missense variant.
Genome position (GRCh38, 1-based): chr17:61,686,016, G>A on the plus strand (C>T on the coding strand, the complement: BRIP1 is on the minus strand). VCF-style: chr17-61686016-G-A. GRCh37 (hg19) VCF-style: chr17-59763377-G-A.
Other names: short protein forms L909F.
Identifiers: ClinVar variation 961485 (VCV000961485.6), dbSNP rs587781853, ClinGen allele CA400481657.

ClinVar aggregate classification (germline): Uncertain significance. Review status: criteria provided, multiple submitters, no conflicts (2 of 4 stars). 2 submissions from 2 submitters: Uncertain significance (2). Last evaluated 2025-08-25.

Conditions:
Familial cancer of breast. Also called: Hereditary breast cancer; BREAST CANCER, FAMILIAL; hereditary breast carcinoma. Identifiers: Orphanet 227535, MedGen C0346153, MONDO:0016419, OMIM 114480. Disease mechanism: loss of function.
Fanconi anemia complementation group J. Also called: BRIP1-Related Fanconi Anemia. Identifiers: Orphanet 84, MedGen C1836860, MONDO:0012187, OMIM 609054.
Hereditary cancer-predisposing syndrome. Also called: Hereditary neoplastic syndrome; Tumor predisposition; Neoplastic Syndromes, Hereditary; Hereditary Cancer Syndrome. Identifiers: Orphanet 140162, MedGen C0027672, MeSH D009386, MONDO:0015356.

Submissions (2):

Labcorp Genetics (formerly Invitae), Labcorp
Classification: Uncertain significance for Familial cancer of breast; Fanconi anemia complementation group J. Last evaluated: 2025-08-25. Review status: criteria provided, single submitter. Criteria: Invitae Variant Classification Sherloc (09022015). Collection method: clinical testing. Allele origin: germline.
Comment: This sequence change replaces leucine, which is neutral and non-polar, with phenylalanine, which is neutral and non-polar, at codon 909 of the BRIP1 protein (p.Leu909Phe). This variant is not present in population databases (gnomAD no frequency). This variant has not been reported in the literature in individuals affected with BRIP1-related conditions. ClinVar contains an entry for this variant (Variation ID: 961485). Invitae Evidence Modeling of protein sequence and biophysical properties (such as structural, functional, and spatial information, amino acid conservation, physicochemical variation, residue mobility, and thermodynamic stability) indicates that this missense variant is not expected to disrupt BRIP1 protein function with a negative predictive value of 95%. In summary, the available evidence is currently insufficient to determine the role of this variant in disease. Therefore, it has been classified as a Variant of Uncertain Significance.

Ambry Genetics
Classification: Uncertain significance for Hereditary cancer-predisposing syndrome. Last evaluated: 2022-09-25. Review status: criteria provided, single submitter. Criteria: Ambry Variant Classification Scheme 2023. Collection method: clinical testing. Allele origin: germline.
Comment: The p.L909F variant (also known as c.2725C>T), located in coding exon 18 of the BRIP1 gene, results from a C to T substitution at nucleotide position 2725. The leucine at codon 909 is replaced by phenylalanine, an amino acid with highly similar properties. This amino acid position is conserved. In addition, this alteration is predicted to be tolerated by in silico analysis. Since supporting evidence is limited at this time, the clinical significance of this alteration remains unclear.